The following is an entry in ClinVar:

NM_207346.3(TSEN54):c.1439A>G (p.Glu480Gly)

Gene: TSEN54 (tRNA splicing endonuclease subunit 54; plus strand). Cytogenetic location: 17q25.1.
Variant type: single nucleotide variant.
Coding change: c.1439A>G on transcript NM_207346.3 (MANE Select); coding-DNA position 1439, A replaced by G.
Protein change: p.Glu480Gly; replaces glutamic acid 480 with glycine.
Molecular consequence: missense variant.
Genome position (GRCh38, 1-based): chr17:75,524,270, A>G. VCF-style: chr17-75524270-A-G. GRCh37 (hg19) VCF-style: chr17-73520351-A-G.
Other names: short protein forms E480G.
Identifiers: ClinVar variation 2082716 (VCV002082716.1), dbSNP rs769529029, ClinGen allele CA8764454.
Genomic context (GRCh38, chr17:75,524,270, plus strand): 5'-AGCTTAGGAGTGGGCTATGGCTGGGTCTCACTCTAACCCTTTGTCCCTGCAGATTTGATG[A>G]GCCTGTCCCAGACCTCTGCAGCCTCAAGCGGTTGTCTTACCAGAGTGGGGATGTCCCTCT-3'
Protein context (NP_997229.2, residues 470-490): YARMCISGFD[Glu480Gly]PVPDLCSLKR

ClinVar aggregate classification (germline): Uncertain significance (1 of 4 stars; one submission).

Allele frequency attached by ClinVar (database versions not stated): gnomAD exomes 0.00001; TOPMed 0.00001; ExAC 0.00003.
gnomAD v4.1: 6 of 1,614,150 alleles (0.00037%); highest among the groups gnomAD compares: Admixed American, 0.01%; no homozygotes.

Submission:

Labcorp Genetics (formerly Invitae), Labcorp
Classification: Uncertain significance. Last evaluated: 2022-07-19. Review status: criteria provided, single submitter. Criteria: Invitae Variant Classification Sherloc (09022015). Collection method: clinical testing. Allele origin: germline.
Comment: This sequence change replaces glutamic acid, which is acidic and polar, with glycine, which is neutral and non-polar, at codon 480 of the TSEN54 protein (p.Glu480Gly). This variant is present in population databases (rs769529029, gnomAD 0.02%). This variant has not been reported in the literature in individuals affected with TSEN54-related conditions. Algorithms developed to predict the effect of missense changes on protein structure and function are either unavailable or do not agree on the potential impact of this missense change (SIFT: "Tolerated"; PolyPhen-2: "Possibly Damaging"; Align-GVGD: "Class C0"). In summary, the available evidence is currently insufficient to determine the role of this variant in disease. Therefore, it has been classified as a Variant of Uncertain Significance.